The following is an entry in ClinVar:

NM_001244008.2(KIF1A):c.944T>G (p.Leu315Arg)

Gene: KIF1A (kinesin family member 1A; minus strand). Cytogenetic location: 2q37.3.
Variant type: single nucleotide variant.
Coding change: c.944T>G on transcript NM_001244008.2 (MANE Select); coding-DNA position 944, T replaced by G.
Protein change: p.Leu315Arg; replaces leucine 315 with arginine.
Molecular consequence: missense variant.
Genome position (GRCh38, 1-based): chr2:240,775,865, A>C on the plus strand (T>G on the coding strand, the complement: KIF1A is on the minus strand). VCF-style: chr2-240775865-A-C. GRCh37 (hg19) VCF-style: chr2-241715282-A-C.
Other names: c.944T>G, p.Leu315Arg (NM_001320705.2, NM_001330289.2, NM_001330290.2 and 20 more transcripts); short protein forms L315R.
Identifiers: ClinVar variation 4527105 (VCV004527105.1).

ClinVar aggregate classification (germline): Uncertain significance (1 of 4 stars; one submission).

Submission:

GeneDx
Classification: Uncertain significance. Last evaluated: 2025-04-22. Review status: criteria provided, single submitter. Criteria: GeneDx Variant Classification Process June 2021. Collection method: clinical testing. Allele origin: germline. Affected: yes.
Comment: Not observed at significant frequency in large population cohorts (gnomAD); In silico analysis supports that this missense variant has a deleterious effect on protein structure/function; Has not been previously published as pathogenic or benign to our knowledge; This variant is associated with the following publications: (PMID: 21376300, 21820098, 26125038)